The following is an entry in ClinVar:

NM_000346.4(SOX9):c.567A>C (p.Ala189=)

Gene: SOX9 (SRY-box transcription factor 9; plus strand). Cytogenetic location: 17q24.3.
Variant type: single nucleotide variant.
Coding change: c.567A>C on transcript NM_000346.4 (MANE Select); coding-DNA position 567, A replaced by C.
Protein change: p.Ala189=; no amino-acid change (alanine 189 retained).
Molecular consequence: synonymous variant.
Genome position (GRCh38, 1-based): chr17:72,122,854, A>C. VCF-style: chr17-72122854-A-C. GRCh37 (hg19) VCF-style: chr17-70118995-A-C.
Identifiers: ClinVar variation 2648169 (VCV002648169.24), dbSNP rs1419129902, ClinGen allele CA501432769.
Genomic context (GRCh38, chr17:72,122,854, plus strand): 5'-CCCGGATTACAAGTACCAGCCGCGGCGGAGGAAGTCGGTGAAGAACGGGCAGGCGGAGGC[A>C]GAGGAGGCCACGGAGCAGACGCACATCTCCCCCAACGCCATCTTCAAGGCGCTGCAGGCC-3'
Protein context (NP_000337.1, residues 179-199): RKSVKNGQAE[Ala189=]EEATEQTHIS

ClinVar aggregate classification (germline): Likely benign (1 of 4 stars; one submission).

Submission:

CeGaT Center for Human Genetics Tuebingen
Classification: Likely benign. Last evaluated: 2026-03-01. Review status: criteria provided, single submitter. Criteria: CeGaT Center For Human Genetics Tuebingen Variant Classification Criteria Version 2. Collection method: clinical testing. Allele origin: germline. Affected: yes. Observed: 2 variant alleles.
Comment: SOX9: PM2:Supporting, BP4, BP7